The following is an entry in ClinVar:

NM_000187.4(HGD):c.133del (p.Ser45fs)

Gene: HGD (homogentisate 1,2-dioxygenase; minus strand). Cytogenetic location: 3q13.33.
Variant type: Deletion.
Coding change: c.133del on transcript NM_000187.4 (MANE Select); coding-DNA position 133, one base deleted (T; older notation c.133delT).
Protein change: p.Ser45fs; shifts the reading frame from serine 45.
Molecular consequence: frameshift variant.
Genome position (GRCh38, 1-based): chr3:120,674,944, A deleted on the plus strand (T on the coding strand, the reverse complement: HGD is on the minus strand). VCF-style (leftmost placement, unchanged base first): chr3-120674943-GA-G. GRCh37 (hg19) VCF-style: chr3-120393790-GA-G.
Other names: short protein forms S45fs.
Identifiers: ClinVar variation 2004589 (VCV002004589.4), dbSNP rs2472801078, ClinGen allele CA2580068602.

ClinVar aggregate classification (germline): Pathogenic (1 of 4 stars; one submission).

Conditions:
Alkaptonuria (AKU). Also called: Alcaptonuria; HOMOGENTISIC ACID OXIDASE DEFICIENCY; Alkaptonuric ochronosis; Homogentisic acidura. Identifiers: Orphanet 56, MedGen C0002066, MONDO:0008753, OMIM 203500.

Submission:

Labcorp Genetics (formerly Invitae), Labcorp
Classification: Pathogenic for Alkaptonuria. Last evaluated: 2022-09-07. Review status: criteria provided, single submitter. Criteria: Invitae Variant Classification Sherloc (09022015). Collection method: clinical testing. Allele origin: germline.
Comment: For these reasons, this variant has been classified as Pathogenic. This variant has not been reported in the literature in individuals affected with HGD-related conditions. This variant is not present in population databases (gnomAD no frequency). This sequence change creates a premature translational stop signal (p.Ser45Glnfs*66) in the HGD gene. It is expected to result in an absent or disrupted protein product. Loss-of-function variants in HGD are known to be pathogenic (PMID: 12501223, 19862842).

Literature cited by the submitters: PubMed 12501223; PubMed 19862842.